The following is an entry in ClinVar:

NM_032436.4(CHAMP1):c.1138T>C (p.Trp380Arg)

Gene: CHAMP1 (chromosome alignment maintaining phosphoprotein 1; plus strand). Cytogenetic location: 13q34.
Variant type: single nucleotide variant.
Coding change: c.1138T>C on transcript NM_032436.4 (MANE Select); coding-DNA position 1138, T replaced by C.
Protein change: p.Trp380Arg; replaces tryptophan 380 with arginine.
Molecular consequence: missense variant.
Genome position (GRCh38, 1-based): chr13:114,324,980, T>C. VCF-style: chr13-114324980-T-C. GRCh37 (hg19) VCF-style: chr13-115090455-T-C.
Other names: c.1138T>C, p.Trp380Arg (NM_001164144.3, NM_001164145.3); short protein forms W380R.
Identifiers: ClinVar variation 2580513 (VCV002580513.1), dbSNP rs2503200697, ClinGen allele CA388847846.

ClinVar aggregate classification (germline): Uncertain significance (1 of 4 stars; one submission).

Submission:

GeneDx
Classification: Uncertain significance. Last evaluated: 2023-03-22. Review status: criteria provided, single submitter. Criteria: GeneDx Variant Classification Process June 2021. Collection method: clinical testing. Allele origin: germline. Affected: yes.
Comment: Not observed at significant frequency in large population cohorts (gnomAD); In silico analysis supports that this missense variant does not alter protein structure/function; Has not been previously published as pathogenic or benign to our knowledge